The following is an entry in ClinVar:

ClinVar aggregate classification (germline): Uncertain significance (1 of 4 stars; one submission).

Conditions:
Familial sleep-related hypermotor epilepsy. Also called: Autosomal Dominant Sleep-Related Hypermotor (Hyperkinetic) Epilepsy. Identifiers: Orphanet 98784, MedGen C3696898, MONDO:0000030.

Submission:

Labcorp Genetics (formerly Invitae), Labcorp
Classification: Uncertain significance. Last evaluated: 2024-08-08. Review status: criteria provided, single submitter. Criteria: Invitae Variant Classification Sherloc (09022015). Collection method: clinical testing. Allele origin: germline.
Comment: This sequence change creates a premature translational stop signal (p.Glu264*) in the CHRNB2 gene. It is expected to result in an absent or disrupted protein product. However, the current clinical and genetic evidence is not sufficient to establish whether loss-of-function variants in CHRNB2 cause disease. This variant is not present in population databases (gnomAD no frequency). This variant has not been reported in the literature in individuals affected with CHRNB2-related conditions. In summary, the available evidence is currently insufficient to determine the role of this variant in disease. Therefore, it has been classified as a Variant of Uncertain Significance.

NM_000748.3(CHRNB2):c.790G>T (p.Glu264Ter)

Gene: CHRNB2 (cholinergic receptor nicotinic beta 2 subunit; plus strand). Cytogenetic location: 1q21.3.
Variant type: single nucleotide variant.
Coding change: c.790G>T on transcript NM_000748.3 (MANE Select); coding-DNA position 790, G replaced by T.
Protein change: p.Glu264Ter; replaces glutamic acid 264 with a stop codon.
Molecular consequence: nonsense.
Genome position (GRCh38, 1-based): chr1:154,571,613, G>T. VCF-style: chr1-154571613-G-T. GRCh37 (hg19) VCF-style: chr1-154544089-G-T.
Other names: short protein forms E264*.
Identifiers: ClinVar variation 3661770 (VCV003661770.2).